The following is an entry in ClinVar:

ClinVar aggregate classification (germline): Uncertain significance (1 of 4 stars; one submission).

gnomAD v4.1: 7 of 1,600,202 alleles (0.00044%); highest among the groups gnomAD compares: Non-Finnish European, 0.0006%; no homozygotes.

Submission:

GeneDx
Classification: Uncertain significance. Last evaluated: 2024-01-10. Review status: criteria provided, single submitter. Criteria: GeneDx Variant Classification Process June 2021. Collection method: clinical testing. Allele origin: germline. Affected: yes.
Comment: Has not been previously published as pathogenic or benign to our knowledge; Not observed at significant frequency in large population cohorts (gnomAD); In silico analysis supports that this missense variant does not alter protein structure/function

NM_001321967.2(ATAD1):c.842A>C (p.His281Pro)

Gene: ATAD1 (ATPase family AAA domain containing 1; minus strand). Cytogenetic location: 10q23.31.
Variant type: single nucleotide variant.
Coding change: c.842A>C on transcript NM_001321967.2 (MANE Select); coding-DNA position 842, A replaced by C.
Protein change: p.His281Pro; replaces histidine 281 with proline.
Molecular consequence: missense variant. On other transcripts: non-coding transcript variant (1).
Genome position (GRCh38, 1-based): chr10:87,756,912, T>G on the plus strand (A>C on the coding strand, the complement: ATAD1 is on the minus strand). VCF-style: chr10-87756912-T-G. GRCh37 (hg19) VCF-style: chr10-89516669-T-G.
Other names: c.752A>C, p.His251Pro (NM_001321968.2); c.485A>C, p.His162Pro (NM_001321969.2); c.842A>C, p.His281Pro (NM_032810.4); short protein forms H162P, H251P, H281P.
Identifiers: ClinVar variation 3367637 (VCV003367637.1).